The following is an entry in ClinVar:

ClinVar aggregate classification (germline): Conflicting classifications of pathogenicity. Review status: criteria provided, conflicting classifications (1 of 4 stars). 2 submissions from 2 submitters: Uncertain significance (1); Likely benign (1). Last evaluated 2022-07-20.

Conditions:
Episodic ataxia type 2 (EA2). Also called: ATAXIA, EPISODIC, WITH NYSTAGMUS; ATAXIA, FAMILIAL PAROXYSMAL; CEREBELLAR ATAXIA, PAROXYSMAL, ACETAZOLAMIDE-RESPONSIVE; CEREBELLOPATHY, HEREDITARY PAROXYSMAL; EPISODIC ATAXIA, NYSTAGMUS-ASSOCIATED; ACETAZOLAMIDE-RESPONSIVE HEREDITARY PAROXYSMAL CEREBELLAR ATAXIA. Identifiers: Orphanet 97, MedGen C1720416, MONDO:0007163, OMIM 108500.
Developmental and epileptic encephalopathy, 42 (DEE42A). Also called: DEVELOPMENTAL AND EPILEPTIC ENCEPHALOPATHY 42A; EPILEPTIC ENCEPHALOPATHY, EARLY INFANTILE, 42A; Epileptic encephalopathy, early infantile, 42. Identifiers: MedGen C4310716, MONDO:0014917, OMIM 617106.

Allele frequency attached by ClinVar (database versions not stated): gnomAD exomes below 0.00001; gnomAD 0.00001; TOPMed 0.00001.
gnomAD v4.1: 3 of 1,584,420 alleles (0.00019%); highest among the groups gnomAD compares: Non-Finnish European, 0.00026%; no homozygotes.

Submissions (2):

Labcorp Genetics (formerly Invitae), Labcorp
Classification: Uncertain significance for Developmental and epileptic encephalopathy, 42; Episodic ataxia type 2. Last evaluated: 2022-07-20. Review status: criteria provided, single submitter. Criteria: Invitae Variant Classification Sherloc (09022015). Collection method: clinical testing. Allele origin: germline.
Comment: In summary, the available evidence is currently insufficient to determine the role of this variant in disease. Therefore, it has been classified as a Variant of Uncertain Significance. Variants that disrupt the consensus splice site are a relatively common cause of aberrant splicing (PMID: 17576681, 9536098). Algorithms developed to predict the effect of sequence changes on RNA splicing suggest that this variant is not likely to affect RNA splicing. ClinVar contains an entry for this variant (Variation ID: 513516). This variant has not been reported in the literature in individuals affected with CACNA1A-related conditions. This variant is not present in population databases (gnomAD no frequency). This sequence change falls in intron 2 of the CACNA1A gene. It does not directly change the encoded amino acid sequence of the CACNA1A protein. It affects a nucleotide within the consensus splice site.

GeneDx
Classification: Likely benign. Last evaluated: 2017-11-16. Review status: criteria provided, single submitter. Criteria: GeneDx Variant Classification (06012015). Collection method: clinical testing. Allele origin: germline. Affected: yes.
Comment: This variant is considered likely benign or benign based on one or more of the following criteria: it is a conservative change, it occurs at a poorly conserved position in the protein, it is predicted to be benign by multiple in silico algorithms, and/or has population frequency not consistent with disease.

Literature cited by the submitters: PubMed 17576681 (cited by Labcorp Genetics (formerly Invitae), Labcorp); PubMed 9536098 (cited by Labcorp Genetics (formerly Invitae), Labcorp).

NM_001127222.2(CACNA1A):c.399+3G>A

Gene: CACNA1A (calcium voltage-gated channel subunit alpha1 A; minus strand). Cytogenetic location: 19p13.13.
Variant type: single nucleotide variant.
Coding change: c.399+3G>A on transcript NM_001127222.2 (MANE Select); 3 bases into the intron after coding-DNA position 399, G replaced by A.
Molecular consequence: intron variant.
Genome position (GRCh38, 1-based): chr19:13,455,104, C>T on the plus strand (G>A on the coding strand, the complement: CACNA1A is on the minus strand). VCF-style: chr19-13455104-C-T. GRCh37 (hg19) VCF-style: chr19-13565918-C-T.
Other names: c.399+3G>A (NM_001127221.2, NM_001174080.2, NM_000068.4 and 1 more transcripts).
Identifiers: ClinVar variation 513516 (VCV000513516.6), dbSNP rs1275496281, ClinGen allele CA658799170.